The following is an entry in ClinVar:

ClinVar aggregate classification (germline): Likely pathogenic (1 of 4 stars; one submission).

Conditions:
Primary hyperoxaluria, type I (HP1). Also called: GLYCOLIC ACIDURIA; HEPATIC AGT DEFICIENCY; Primary hyperoxaluria type 1; OXALOSIS I. Identifiers: Orphanet 416, Orphanet 93598, MedGen C0268164, MONDO:0009823, OMIM 259900. Disease mechanism: loss of function.

Submission:

Myriad Genetics, Inc.
Classification: Likely pathogenic for Primary hyperoxaluria, type I. Last evaluated: 2022-03-29. Review status: criteria provided, single submitter. Criteria: Myriad Women's Health Autosomal Recessive and X-Linked Classification Criteria (2021). Collection method: clinical testing. Allele origin: unknown.
Comment: NM_000030.2(AGXT):c.239_251del13(G80Vfs*36) is expected to be pathogenic in the context of primary hyperoxaluria type 1. This variant is predicted to lead to an abnormal or absent protein product due to the creation of a premature termination codon in AGXT, a gene where loss-of-function variants are known to be pathogenic. Please note: this variant was assessed in the context of healthy population screening.

NM_000030.3(AGXT):c.239_251del (p.Gly80fs)

Gene: AGXT (alanine--glyoxylate aminotransferase; plus strand). Cytogenetic location: 2q37.3.
Variant type: Deletion.
Coding change: c.239_251del on transcript NM_000030.3 (MANE Select); coding-DNA positions 239 to 251, 13 bases deleted (GCTCGGGACACTG).
Protein change: p.Gly80fs; shifts the reading frame from glycine 80.
Molecular consequence: frameshift variant.
Genome position (GRCh38, 1-based): chr2:240,869,243-240,869,255, GCTCGGGACACTG deleted; deleting any 13 consecutive bases within chr2:240,869,240-240,869,255 gives the same sequence; the c. name uses the placement nearest the transcript's 3' end. VCF-style (leftmost placement, unchanged base first): chr2-240869239-TCTGGCTCGGGACA-T. GRCh37 (hg19) VCF-style: chr2-241808656-TCTGGCTCGGGACA-T.
Other names: short protein forms G80fs.
Identifiers: ClinVar variation 1725503 (VCV001725503.2), dbSNP rs2528740086, ClinGen allele CA2580068021.